The following is an entry in ClinVar:

NC_012920.1(MT-CO3):m.9337T>C

Gene: MT-CO3 (mitochondrially encoded cytochrome c oxidase III; plus strand).
Variant type: single nucleotide variant.
Genome position: chrM-9337-T-C.
Identifiers: ClinVar variation 693153 (VCV000693153.1), dbSNP rs1603222256, ClinGen allele CA414802722.

ClinVar aggregate classification (germline): Benign (1 of 4 stars; one submission).

Conditions:
Leigh syndrome (NULS). Also called: Leigh's necrotizing encephalopathy; Leigh's disease; Leigh Syndrome (mtDNA deletion); Leigh Disease; Subacute necrotizing encephalopathy; Necrotizing encephalopathy infantile subacute of Leigh. Identifiers: Orphanet 506, MedGen C2931891, MONDO:0009723, OMIM 256000.

Submission:

Wong Mito Lab, Molecular and Human Genetics, Baylor College of Medicine
Classification: Benign for Leigh syndrome. Last evaluated: 2019-10-17. Review status: criteria provided, single submitter. Criteria: Modified ACMG Guidelines (Unpublished). Collection method: clinical testing. Allele origin: germline.
Comment: The NC_012920.1:m.9337T>C (YP_003024032.1:p.Met44Thr) variant in MTCO3 gene is interpretated to be a Benign variant based on the modified ACMG guidelines (unpublished). This variant meets the following evidence codes: BS1, BS4, BP4